The following is an entry in ClinVar:

ClinVar aggregate classification (germline): Uncertain significance. Review status: criteria provided, multiple submitters, no conflicts (2 of 4 stars). 2 submissions from 2 submitters: Uncertain significance (2). Last evaluated 2025-12-30.

Conditions:
Inborn genetic diseases. Identifiers: MedGen C0950123, MeSH D030342.

Allele frequency attached by ClinVar (database versions not stated): gnomAD 0.00001; ExAC 0.00005; TOPMed 0.00005.
gnomAD v4.1: 30 of 1,613,698 alleles (0.0019%); highest among the groups gnomAD compares: Admixed American, 0.028%; no homozygotes.

Submissions (2):

Labcorp Genetics (formerly Invitae), Labcorp
Classification: Uncertain significance. Last evaluated: 2025-12-30. Review status: criteria provided, single submitter. Criteria: Invitae Variant Classification Sherloc (09022015). Collection method: clinical testing. Allele origin: germline.
Comment: This sequence change replaces arginine, which is basic and polar, with tryptophan, which is neutral and slightly polar, at codon 668 of the ACAN protein (p.Arg668Trp). This variant is present in population databases (rs766715171, gnomAD 0.05%). This variant has not been reported in the literature in individuals affected with ACAN-related conditions. ClinVar contains an entry for this variant (Variation ID: 1428432). Invitae Evidence Modeling of protein sequence and biophysical properties (such as structural, functional, and spatial information, amino acid conservation, physicochemical variation, residue mobility, and thermodynamic stability) indicates that this missense variant is not expected to disrupt ACAN protein function with a negative predictive value of 80%. In summary, the available evidence is currently insufficient to determine the role of this variant in disease. Therefore, it has been classified as a Variant of Uncertain Significance.

Ambry Genetics
Classification: Uncertain significance for Inborn genetic diseases. Last evaluated: 2021-10-20. Review status: criteria provided, single submitter. Criteria: Ambry Variant Classification Scheme 2023. Collection method: clinical testing. Allele origin: germline.

NM_001369268.1(ACAN):c.2002C>T (p.Arg668Trp)

Gene: ACAN (aggrecan; plus strand). Cytogenetic location: 15q26.1.
Variant type: single nucleotide variant.
Coding change: c.2002C>T on transcript NM_001369268.1 (MANE Select); coding-DNA position 2002, C replaced by T.
Protein change: p.Arg668Trp; replaces arginine 668 with tryptophan.
Molecular consequence: missense variant.
Genome position (GRCh38, 1-based): chr15:88,849,707, C>T. VCF-style: chr15-88849707-C-T. GRCh37 (hg19) VCF-style: chr15-89392938-C-T.
Other names: c.2002C>T, p.Arg668Trp (NM_001135.4, NM_013227.4); c.2002C>T (NM_013227.3); short protein forms R668W.
Identifiers: ClinVar variation 1428432 (VCV001428432.9), dbSNP rs766715171, ClinGen allele CA7719753.
Genomic context (GRCh38, chr15:88,849,707, plus strand): 5'-CCAGGCGTGAGAACGGTCTACCTCTACCCTAACCAGACGGGCCTCCCAGACCCACTGTCC[C>T]GGCACCATGCCTTCTGCTTCCGAGGTATGCAGCCTCACTTCGGCTCCAACAGCCCCTTTT-3'
Protein context (NP_001356197.1, residues 658-678): NQTGLPDPLS[Arg668Trp]HHAFCFRGIS